The following is an entry in ClinVar:

NM_001371279.1(REEP1):c.490G>A (p.Ala164Thr)

Gene: REEP1 (receptor accessory protein 1; minus strand). Cytogenetic location: 2p11.2.
Variant type: single nucleotide variant.
Coding change: c.490G>A on transcript NM_001371279.1 (MANE Select); coding-DNA position 490, G replaced by A.
Protein change: p.Ala164Thr; replaces alanine 164 with threonine.
Molecular consequence: missense variant. On other transcripts: synonymous variant (1), intron variant (1).
Genome position (GRCh38, 1-based): chr2:86,232,730, C>T on the plus strand (G>A on the coding strand, the complement: REEP1 is on the minus strand). VCF-style: chr2-86232730-C-T. GRCh37 (hg19) VCF-style: chr2-86459853-C-T.
Other names: c.511G>A, p.Ala171Thr (NM_001164730.2); c.409G>A, p.Ala137Thr (NM_001164731.2); c.255G>A, p.Ala85= (NM_001164732.2); c.490G>A, p.Ala164Thr (NM_001410855.1, NM_001410856.1, NM_022912.3); c.418-15620G>A (NM_001371280.1); short protein forms A164T, A137T, A171T.
Identifiers: ClinVar variation 3700699 (VCV003700699.2).
Genomic context (GRCh38, chr2:86,232,730, plus strand): 5'-GGCCGTGTTTGCCGCTGGCCCGCCCAGACCCCGGTGGTGGGGGGCCCGAGGGAGCAGGGG[C>T]GCCGTCTCCCCTGATGGTGGTGAGGTCCTGCATGCTGAAGCTCCGCAGTCTCTCCGATAA-3'
Protein context (NP_001358208.1, residues 154-174): QDLTTIRGDG[Ala164Thr]PAPSGPPPPG

ClinVar aggregate classification (germline): Uncertain significance (1 of 4 stars; one submission).

Conditions:
Hereditary spastic paraplegia 31. Also called: SPASTIC PARAPLEGIA 31, AUTOSOMAL DOMINANT. Identifiers: Orphanet 101011, MedGen C1853247, MONDO:0012453, OMIM 610250.

gnomAD v4.1: 4 of 1,608,808 alleles (0.00025%); highest among the groups gnomAD compares: South Asian, 0.0011%; no homozygotes.

Submission:

Labcorp Genetics (formerly Invitae), Labcorp
Classification: Uncertain significance for Hereditary spastic paraplegia 31. Last evaluated: 2024-02-17. Review status: criteria provided, single submitter. Criteria: Invitae Variant Classification Sherloc (09022015). Collection method: clinical testing. Allele origin: germline.
Comment: This sequence change replaces alanine, which is neutral and non-polar, with threonine, which is neutral and polar, at codon 164 of the REEP1 protein (p.Ala164Thr). This variant is present in population databases (no rsID available, gnomAD 0.002%). This variant has not been reported in the literature in individuals affected with REEP1-related conditions. Algorithms developed to predict the effect of missense changes on protein structure and function output the following: SIFT: "Not Available"; PolyPhen-2: "Benign"; Align-GVGD: "Not Available". The threonine amino acid residue is found in multiple mammalian species, which suggests that this missense change does not adversely affect protein function. In summary, the available evidence is currently insufficient to determine the role of this variant in disease. Therefore, it has been classified as a Variant of Uncertain Significance.